The following is an entry in ClinVar:

ClinVar aggregate classification (germline): Likely pathogenic. Review status: reviewed by expert panel (3 of 4 stars). 3 submissions from 3 submitters: Likely pathogenic (1). 2 of the submissions do not count toward it. Last evaluated 2023-11-16.

Conditions:
Marfan syndrome (MFS). Also called: Marfan syndrome type 1; Marfan syndrome, classic; Marfan's syndrome; FBN1-Related Marfan Syndrome; MARFAN SYNDROME, TYPE I. Identifiers: Orphanet 284963, Orphanet 558, MedGen C0024796, MONDO:0007947, OMIM 154700.

Submissions (3):

ClinGen FBN1 Variant Curation Expert Panel, ClinGen
Classification: Likely pathogenic for Marfan syndrome. Last evaluated: 2023-11-16. Review status: reviewed by expert panel. Criteria: Assertion Criteria VCEP FBN1 Version 1. Collection method: curation. Allele origin: germline. Inheritance: Autosomal dominant inheritance.
Comment: NM_00138 c.1073G>A is a missense variant in FBN1 predicted to cause a substitution of a cysteine by tyrosine at amino acid 358(p.Cys358Tyr). This variant has been found in two probands, one with the clinical diagnosis of Marfan syndrome but without a specified phenotype and one with ectopia lentis, thoracic aortic aneurysm and dissection, and a systemic score of 9 (PP4, PS4_supporting; PMID: 35058154; UZG internal data). This variant has been reported two times in ClinVar, once as likely pathogenic and once as of uncertain significance (Variation ID: 549001). This variant is not present in gnomAD (PM2_supporting). This variant affects a cysteine residue in a TGF-beta binding-protein-like (TB) domain; cysteine residues are believed to be involved in the formation of disulfide bridges which are essential for the protein structure (PM1). Other variants altering this codon are pathogenic or likely pathogenic (p.Cys358Trp, p.Cys358Arg), supporting the functional importance of this amino acid position (PM5). Computational prediction tools and conservation analysis suggest that this variant may impact protein structure or function (PP3). The constraint z-score for missense variants affecting FBN1 is 5.06 (PP2). In summary, this variant meets criteria to be classified as likely pathogenic for Marfan syndrome based on the ACMG/AMP criteria applied, as specified by the ClinGen FBN1 VCEP: PM1, PM5, PS4_supporting, PM2_supporting, PP2, PP3, PP4.

Centre of Medical Genetics, University of Antwerp
Classification: Likely pathogenic for Marfan syndrome. Last evaluated: 2021-03-01. Review status: criteria provided, single submitter. Criteria: Submitter's publication. Collection method: research. Allele origin: unknown. Affected: yes. Not counted in ClinVar's aggregate classification.
Comment: PM2, PS5, PP4

Center for Medical Genetics Ghent, University of Ghent
Classification: Uncertain significance for Marfan syndrome. Last evaluated: 2017-11-07. Review status: no assertion criteria provided. Collection method: clinical testing. Allele origin: germline. Affected: yes. Not counted in ClinVar's aggregate classification.

NM_000138.5(FBN1):c.1073G>A (p.Cys358Tyr)

Genes: FBN1 (fibrillin 1; minus strand), LOC113939944 (Sharpr-MPRA regulatory region 9539; plus strand). Cytogenetic location: 15q21.1.
Variant type: single nucleotide variant.
Coding change: c.1073G>A on transcript NM_000138.5 (MANE Select); coding-DNA position 1073, G replaced by A.
Protein change: p.Cys358Tyr; replaces cysteine 358 with tyrosine.
Molecular consequence: missense variant.
Genome position (GRCh38, 1-based): chr15:48,520,733, C>T on the plus strand (G>A on the coding strand, the complement: FBN1 is on the minus strand). VCF-style: chr15-48520733-C-T. GRCh37 (hg19) VCF-style: chr15-48812930-C-T.
Other names: NM_000138.5(FBN1):c.1073G>A; p.Cys358Tyr; short protein forms C358Y.
Identifiers: ClinVar variation 549001 (VCV000549001.19), dbSNP rs1555400606, ClinGen allele CA392347578.